The following is an entry in ClinVar:

ClinVar aggregate classification (germline): Uncertain significance (1 of 4 stars; one submission).

Conditions:
X-linked myopathy with postural muscle atrophy. Also called: FHL1-Related Emery-Dreifuss Muscular Dystrophy, X-Linked. Identifiers: Orphanet 178461, MedGen C2678055, MONDO:0010401, OMIM 300696.

Submission:

Labcorp Genetics (formerly Invitae), Labcorp
Classification: Uncertain significance for X-linked myopathy with postural muscle atrophy. Last evaluated: 2023-05-07. Review status: criteria provided, single submitter. Criteria: Invitae Variant Classification Sherloc (09022015). Collection method: clinical testing. Allele origin: germline.
Comment: In summary, the available evidence is currently insufficient to determine the role of this variant in disease. Therefore, it has been classified as a Variant of Uncertain Significance. Experimental studies and prediction algorithms are not available or were not evaluated, and the functional significance of this variant is currently unknown. This variant has not been reported in the literature in individuals affected with FHL1-related conditions. This variant is not present in population databases (gnomAD no frequency). This sequence change results in a frameshift in the FHL1 gene (p.Ala277Glnfs*6). While this is not anticipated to result in nonsense mediated decay, it is expected to disrupt the last 4 amino acid(s) of the FHL1 protein and extend the protein by 1 additional amino acid residues.

NM_001159699.2(FHL1):c.876_877del (p.Ala293fs)

Gene: FHL1 (four and a half LIM domains 1; plus strand). Cytogenetic location: Xq26.3.
Variant type: Microsatellite.
Coding change: c.876_877del on transcript NM_001159699.2 (MANE Select); coding-DNA positions 876 to 877, 2 bases deleted (TG; older notation c.876_877delTG).
Protein change: p.Ala293fs; shifts the reading frame from alanine 293.
Molecular consequence: frameshift variant. On other transcripts: 3 prime UTR variant (6), non-coding transcript variant (1).
Genome position (GRCh38, 1-based): chrX:136,210,010-136,210,011, TG deleted; deleting any 2 consecutive bases within chrX:136,210,008-136,210,011 gives the same sequence; the c. name uses the placement nearest the transcript's 3' end. VCF-style (leftmost placement, unchanged base first): chrX-136210007-CTG-C. GRCh37 (hg19) VCF-style: chrX-135292166-CTG-C.
Other names: c.828_829del, p.Ala277fs (NM_001159700.2, NM_001159704.1, NM_001167819.1 and 4 more transcripts); c.915_916del, p.Ala306fs (NM_001159701.2); c.*54TG[1] (NM_001159702.3, NM_001159703.2, NM_001330659.2 and 3 more transcripts); short protein forms A277fs, A293fs, A306fs.
Identifiers: ClinVar variation 3007318 (VCV003007318.3), dbSNP rs2521338320, ClinGen allele CA2740090140.